The following is an entry in ClinVar:

ClinVar aggregate classification (germline): Uncertain significance (1 of 4 stars; one submission).

Conditions:
Joubert syndrome. Also called: CEREBELLOPARENCHYMAL DISORDER IV; JOUBERT-BOLTSHAUSER SYNDROME; Familial aplasia of the vermis. Identifiers: Orphanet 475, MedGen C5979921, MONDO:0018772.
Meckel-Gruber syndrome. Also called: DYSENCEPHALIA SPLANCHNOCYSTICA; GRUBER SYNDROME; Dysencephalia splachnocystica. Identifiers: Orphanet 564, MedGen C0265215, MONDO:0018921.

Submission:

Labcorp Genetics (formerly Invitae), Labcorp
Classification: Uncertain significance for Joubert syndrome; Meckel-Gruber syndrome. Last evaluated: 2025-02-03. Review status: criteria provided, single submitter. Criteria: Invitae Variant Classification Sherloc (09022015). Collection method: clinical testing. Allele origin: germline.
Comment: This sequence change replaces glutamic acid, which is acidic and polar, with lysine, which is basic and polar, at codon 109 of the RPGRIP1L protein (p.Glu109Lys). This variant is not present in population databases (gnomAD no frequency). This variant has not been reported in the literature in individuals affected with RPGRIP1L-related conditions. ClinVar contains an entry for this variant (Variation ID: 2008284). Invitae Evidence Modeling of protein sequence and biophysical properties (such as structural, functional, and spatial information, amino acid conservation, physicochemical variation, residue mobility, and thermodynamic stability) indicates that this missense variant is expected to disrupt RPGRIP1L protein function with a positive predictive value of 80%. In summary, the available evidence is currently insufficient to determine the role of this variant in disease. Therefore, it has been classified as a Variant of Uncertain Significance.

NM_015272.5(RPGRIP1L):c.325G>A (p.Glu109Lys)

Gene: RPGRIP1L (RPGRIP1 like; minus strand). Cytogenetic location: 16q12.2.
Variant type: single nucleotide variant.
Coding change: c.325G>A on transcript NM_015272.5 (MANE Select); coding-DNA position 325, G replaced by A.
Protein change: p.Glu109Lys; replaces glutamic acid 109 with lysine.
Molecular consequence: missense variant.
Genome position (GRCh38, 1-based): chr16:53,692,270, C>T on the plus strand (G>A on the coding strand, the complement: RPGRIP1L is on the minus strand). VCF-style: chr16-53692270-C-T. GRCh37 (hg19) VCF-style: chr16-53726182-C-T.
Other names: c.325G>A, p.Glu109Lys (NM_001127897.4, NM_001308334.3, NM_001330538.2); short protein forms E109K.
Identifiers: ClinVar variation 2008284 (VCV002008284.4), dbSNP rs2544707873, ClinGen allele CA395925071.
Genomic context (GRCh38, chr16:53,692,270, plus strand): 5'-GGGTTTCATTTTGTTTTTCAAGCTCATGAACTTTCTCTTGCAGCTGCTCAATCATTTCTT[C>T]CATTTCCACATCTCGTCCCAGCCGCTTGGGGCCGCCACCAACCCGCTCATATCTTTTCTT-3'
Protein context (NP_056087.2, residues 99-119): PKRLGRDVEM[Glu109Lys]EMIEQLQEKV